The following is an entry in ClinVar:

ClinVar aggregate classification (germline): Uncertain significance/VUS-low. Review status: criteria provided, multiple submitters, no conflicts (2 of 4 stars). 2 submissions from 2 submitters: Uncertain significance (1); VUS-low (1). Last evaluated 2025-12-12.

Conditions:
Dilated cardiomyopathy 1G (CMD1G). Identifiers: Orphanet 154, MedGen C1858763, MONDO:0011400, OMIM 604145.

Allele frequency attached by ClinVar (database versions not stated): gnomAD 0.00001; TOPMed below 0.00001; gnomAD exomes below 0.00001.
gnomAD v4.1: 4 of 1,614,024 alleles (0.00025%); highest among the groups gnomAD compares: Non-Finnish European, 0.00034%; no homozygotes.

Submissions (2):

Center for Molecular Medicine, Children’s Hospital of Fudan University
Classification: VUS-low for Dilated cardiomyopathy 1G. Last evaluated: 2025-12-12. Review status: criteria provided, single submitter. Criteria: ACMG Guidelines 2015. Collection method: clinical testing. Allele origin: paternal. Affected: yes.
Comment: PM2_PP

Revvity Omics, Revvity
Classification: Uncertain significance. Last evaluated: 2019-08-05. Review status: criteria provided, single submitter. Criteria: ACMG Guidelines, 2015. Collection method: clinical testing. Allele origin: germline.

NM_001267550.2(TTN):c.251A>G (p.Asn84Ser)

Gene: TTN (titin; minus strand). Cytogenetic location: 2q31.2.
Variant type: single nucleotide variant.
Coding change: c.251A>G on transcript NM_001267550.2 (MANE Select); coding-DNA position 251, A replaced by G.
Protein change: p.Asn84Ser; replaces asparagine 84 with serine.
Molecular consequence: missense variant.
Genome position (GRCh38, 1-based): chr2:178,802,182, T>C on the plus strand (A>G on the coding strand, the complement: TTN is on the minus strand). VCF-style: chr2-178802182-T-C. GRCh37 (hg19) VCF-style: chr2-179666909-T-C.
Other names: c.251A>G, p.Asn84Ser (NM_001256850.1, NM_003319.4, NM_133378.4 and 3 more transcripts); short protein forms N84S.
Identifiers: ClinVar variation 2438053 (VCV002438053.4), dbSNP rs912344670, ClinGen allele CA60989007.